The following is an entry in ClinVar:

NM_002471.4(MYH6):c.3481G>T (p.Val1161Leu)

Gene: MYH6 (myosin heavy chain 6; minus strand). Cytogenetic location: 14q11.2.
Variant type: single nucleotide variant.
Coding change: c.3481G>T on transcript NM_002471.4 (MANE Select); coding-DNA position 3481, G replaced by T.
Protein change: p.Val1161Leu; replaces valine 1161 with leucine.
Molecular consequence: missense variant.
Genome position (GRCh38, 1-based): chr14:23,390,308, C>A on the plus strand (G>T on the coding strand, the complement: MYH6 is on the minus strand). VCF-style: chr14-23390308-C-A. GRCh37 (hg19) VCF-style: chr14-23859517-C-A.
Other names: short protein forms V1161L.
Identifiers: ClinVar variation 2567219 (VCV002567219.2), dbSNP rs762230455, ClinGen allele CA389006226.
Genomic context (GRCh38, chr14:23,390,308, plus strand): 5'-CCAGGTCCCGCCGCATCTTCTGGAACTCGGCCTCGCGCTTCTTGTTCATCTCGATCTGCA[C>A]GGACGTGGCCCCGCCGGCCTCTTCCAGCCGCTCGCTGATCTCCTCCAGCTCCCGAGACAG-3'
Protein context (NP_002462.2, residues 1151-1171): RLEEAGGATS[Val1161Leu]QIEMNKKREA

ClinVar aggregate classification (germline): Uncertain significance (1 of 4 stars; one submission).

Conditions:
Cardiovascular phenotype. Identifiers: MedGen CN230736.

Submission:

Ambry Genetics
Classification: Uncertain significance for Cardiovascular phenotype. Last evaluated: 2023-06-11. Review status: criteria provided, single submitter. Criteria: Ambry Variant Classification Scheme 2023. Collection method: clinical testing. Allele origin: germline.
Comment: The p.V1161L variant (also known as c.3481G>T), located in coding exon 24 of the MYH6 gene, results from a G to T substitution at nucleotide position 3481. The valine at codon 1161 is replaced by leucine, an amino acid with highly similar properties. This amino acid position is conserved. In addition, this alteration is predicted to be tolerated by in silico analysis. Since supporting evidence is limited at this time, the clinical significance of this alteration remains unclear.